The following is an entry in ClinVar:

ClinVar aggregate classification (germline): Pathogenic (1 of 4 stars; one submission).

Submission:

CeGaT Center for Human Genetics Tuebingen
Classification: Pathogenic. Last evaluated: 2025-12-01. Review status: criteria provided, single submitter. Criteria: CeGaT Center For Human Genetics Tuebingen Variant Classification Criteria Version 2. Collection method: clinical testing. Allele origin: germline. Affected: yes. Observed: 2 variant alleles.
Comment: RYR1: PVS1, PM2

NM_000540.3(RYR1):c.9122+1G>T

Gene: RYR1 (ryanodine receptor 1; plus strand). Cytogenetic location: 19q13.2.
Variant type: single nucleotide variant.
Coding change: c.9122+1G>T on transcript NM_000540.3 (MANE Select); the canonical splice donor site of the intron after coding-DNA position 9122, G replaced by T.
Molecular consequence: splice donor variant.
Genome position (GRCh38, 1-based): chr19:38,510,782, G>T. VCF-style: chr19-38510782-G-T. GRCh37 (hg19) VCF-style: chr19-39001422-G-T.
Other names: c.9122+1G>T (NM_001042723.2).
Identifiers: ClinVar variation 4681971 (VCV004681971.5).